The following is an entry in ClinVar:

NM_018249.6(CDK5RAP2):c.5131C>T (p.Arg1711Cys)

Gene: CDK5RAP2 (CDK5 regulatory subunit associated protein 2; minus strand). Cytogenetic location: 9q33.2.
Variant type: single nucleotide variant.
Coding change: c.5131C>T on transcript NM_018249.6 (MANE Select); coding-DNA position 5131, C replaced by T.
Protein change: p.Arg1711Cys; replaces arginine 1711 with cysteine.
Molecular consequence: missense variant. On other transcripts: non-coding transcript variant (5).
Genome position (GRCh38, 1-based): chr9:120,402,982, G>A on the plus strand (C>T on the coding strand, the complement: CDK5RAP2 is on the minus strand). VCF-style: chr9-120402982-G-A. GRCh37 (hg19) VCF-style: chr9-123165260-G-A.
Other names: c.4894C>T, p.Arg1632Cys (NM_001011649.3); c.4441C>T, p.Arg1481Cys (NM_001272039.2); c.5032C>T, p.Arg1678Cys (NM_001410992.1); c.5035C>T, p.Arg1679Cys (NM_001410993.1); c.5128C>T, p.Arg1710Cys (NM_001410994.1); c.5131C>T (NM_018249.4); short protein forms R1710C, R1481C, R1678C, R1632C, R1679C, R1711C.
Identifiers: ClinVar variation 2072169 (VCV002072169.4), dbSNP rs747902104, ClinGen allele CA5213360.

ClinVar aggregate classification (germline): Uncertain significance. Review status: criteria provided, multiple submitters, no conflicts (2 of 4 stars). 2 submissions from 2 submitters: Uncertain significance (2). Last evaluated 2025-02-24.

Conditions:
Inborn genetic diseases. Identifiers: MedGen C0950123, MeSH D030342.

Allele frequency attached by ClinVar (database versions not stated): TOPMed 0.00001; gnomAD 0.00002; ExAC 0.00003; gnomAD exomes 0.00003.
gnomAD v4.1: 46 of 1,614,046 alleles (0.0028%); highest among the groups gnomAD compares: Admixed American, 0.0033%; no homozygotes.

Submissions (2):

Ambry Genetics
Classification: Uncertain significance for Inborn genetic diseases. Last evaluated: 2025-02-24. Review status: criteria provided, single submitter. Criteria: Ambry Variant Classification Scheme 2023. Collection method: clinical testing. Allele origin: germline.

Labcorp Genetics (formerly Invitae), Labcorp
Classification: Uncertain significance. Last evaluated: 2022-03-21. Review status: criteria provided, single submitter. Criteria: Invitae Variant Classification Sherloc (09022015). Collection method: clinical testing. Allele origin: germline.
Comment: In summary, the available evidence is currently insufficient to determine the role of this variant in disease. Therefore, it has been classified as a Variant of Uncertain Significance. Algorithms developed to predict the effect of missense changes on protein structure and function output the following: SIFT: "Tolerated"; PolyPhen-2: "Possibly Damaging"; Align-GVGD: "Class C0". The cysteine amino acid residue is found in multiple mammalian species, which suggests that this missense change does not adversely affect protein function. This variant has not been reported in the literature in individuals affected with CDK5RAP2-related conditions. This variant is present in population databases (rs747902104, gnomAD 0.006%). This sequence change replaces arginine, which is basic and polar, with cysteine, which is neutral and slightly polar, at codon 1711 of the CDK5RAP2 protein (p.Arg1711Cys).